The following is an entry in ClinVar:

NM_005591.4(MRE11):c.*442A>G

Gene: MRE11 (MRE11 double strand break repair nuclease; minus strand). Cytogenetic location: 11q21.
Variant type: single nucleotide variant.
Coding change: c.*442A>G on transcript NM_005591.4 (MANE Select); 442 bases downstream of the stop codon, A replaced by G.
Molecular consequence: 3 prime UTR variant.
Genome position (GRCh38, 1-based): chr11:94,419,683, T>C on the plus strand (A>G on the coding strand, the complement: MRE11 is on the minus strand). VCF-style: chr11-94419683-T-C. GRCh37 (hg19) VCF-style: chr11-94152849-T-C.
Other names: NC_000011.9:g.94152849T>C; c.*442A>G (NM_001330347.2, NM_005590.4).
Identifiers: ClinVar variation 306485 (VCV000306485.7), dbSNP rs1061956, ClinGen allele CA10639703.

ClinVar aggregate classification (germline): Benign. Review status: criteria provided, multiple submitters, no conflicts (2 of 4 stars). 2 submissions from 2 submitters: Benign (2). Last evaluated 2018-01-12.

Conditions:
Ataxia-telangiectasia-like disorder 1 (ATLD1). Identifiers: Orphanet 251347, MedGen C4012790, MONDO:0024557, OMIM 604391.

Allele frequency attached by ClinVar (database versions not stated): gnomAD exomes 0.01771; gnomAD 0.03122; 1000 Genomes Project 0.03694; 1000 Genomes Project 30x 0.03779; TOPMed 0.03830.
gnomAD v4.1: 6,771 of 236,576 alleles (2.9%); highest among the groups gnomAD compares: African/African-American, 9.4%; 242 homozygotes.

Submissions (5):

Illumina Laboratory Services, Illumina
Classification: Benign for Ataxia-telangiectasia-like disorder 1. Last evaluated: 2018-01-12. Review status: criteria provided, single submitter. Criteria: ICSL Variant Classification Criteria 13 December 2019. Collection method: clinical testing. Allele origin: germline.
Comment: This variant was observed in the ICSL laboratory as part of a predisposition screen in an ostensibly healthy population. It had not been previously curated by ICSL or reported in the Human Gene Mutation Database (HGMD: prior to June 1st, 2018), and was therefore a candidate for classification through an automated scoring system. Utilizing variant allele frequency, disease prevalence and penetrance estimates, and inheritance mode, an automated score was calculated to assess if this variant is too frequent to cause the disease. Based on the score and internal cut-off values, a variant classified as benign is not then subjected to further curation. The score for this variant resulted in a classification of benign for this disease.

Breakthrough Genomics
Classification: Benign. Review status: criteria provided, single submitter. Criteria: ACMG Guidelines, 2015. Collection method: not provided. Allele origin: germline. Inheritance: Autosomal recessive inheritance. Affected: yes.

Dr. Peter K. Rogan Lab, Western University
No classification provided (evidence only). Condition: Ovarian serous cystadenocarcinoma. Review status: no classification provided. Collection method: in vitro. Allele origin: not applicable. Functional consequence: retained intron. Not counted in ClinVar's aggregate classification.

Dr. Peter K. Rogan Lab, Western University
No classification provided (evidence only). Condition: Ovarian serous cystadenocarcinoma. Review status: no classification provided. Collection method: in vitro. Allele origin: not applicable. Functional consequence: retained intron. Not counted in ClinVar's aggregate classification.

Dr. Peter K. Rogan Lab, Western University
No classification provided (evidence only). Condition: Ovarian serous cystadenocarcinoma. Review status: no classification provided. Collection method: in vitro. Allele origin: not applicable. Functional consequence: retained intron. Not counted in ClinVar's aggregate classification.